The following is an entry in ClinVar:

ClinVar aggregate classification (germline): Likely benign (1 of 4 stars; one submission).

Allele frequency attached by ClinVar (database versions not stated): gnomAD exomes below 0.00001; gnomAD 0.00001; TOPMed 0.00001; ExAC 0.00002.

Submission:

CeGaT Center for Human Genetics Tuebingen
Classification: Likely benign. Last evaluated: 2024-03-01. Review status: criteria provided, single submitter. Criteria: CeGaT Center For Human Genetics Tuebingen Variant Classification Criteria Version 2. Collection method: clinical testing. Allele origin: germline. Affected: yes. Observed: 1 variant allele.
Comment: AVIL: BP4, BP7

NM_006576.4(AVIL):c.609T>C (p.Ala203=)

Gene: AVIL (advillin; minus strand). Cytogenetic location: 12q14.1.
Variant type: single nucleotide variant.
Coding change: c.609T>C on transcript NM_006576.4 (MANE Select); coding-DNA position 609, T replaced by C.
Protein change: p.Ala203=; no amino-acid change (alanine 203 retained).
Molecular consequence: synonymous variant.
Genome position (GRCh38, 1-based): chr12:57,810,501, A>G on the plus strand (T>C on the coding strand, the complement: AVIL is on the minus strand). VCF-style: chr12-57810501-A-G. GRCh37 (hg19) VCF-style: chr12-58204284-A-G.
Identifiers: ClinVar variation 3067548 (VCV003067548.21), dbSNP rs778214971, ClinGen allele CA6660114.
Genomic context (GRCh38, chr12:57,810,501, plus strand): 5'-AAGGACCTTCATCAGCTCTGGGCTGGCTGCCTCCTTGTCTCCCTCGATCACTCCTATTTT[A>G]GCACGGCCCCCTCGCTCCCTGTCTCGAATATCCTTTGCCAGAAGCATAGCCTGTCAAAGA-3'
Protein context (NP_006567.3, residues 193-213): DIRDRERGGR[Ala203=]KIGVIEGDKE